The following is an entry in ClinVar:

ClinVar aggregate classification (germline): Likely benign (1 of 4 stars; one submission).

gnomAD v4.1: 1 of 1,613,566 alleles (0.000062%); highest among the groups gnomAD compares: Middle Eastern, 0.017%; no homozygotes.

Submission:

Laboratory for Molecular Medicine, Mass General Brigham Personalized Medicine
Classification: Likely benign. Last evaluated: 2012-02-07. Review status: criteria provided, single submitter. Criteria: LMM Criteria. Collection method: clinical testing. Allele origin: germline. Observed: 1 variant allele.
Comment: Ile3479Ile in exon 46 of TTN: This variant is not expected to have clinical sign ificance because it does not alter an amino acid residue and is not located with in the splice consensus sequence. Ile3479Ile in exon 46 of TTN (allele frequenc y = n/a)

NM_001267550.2(TTN):c.14169C>T (p.Ile4723=)

Gene: TTN (titin; minus strand). Cytogenetic location: 2q31.2.
Variant type: single nucleotide variant.
Coding change: c.14169C>T on transcript NM_001267550.2 (MANE Select); coding-DNA position 14169, C replaced by T.
Protein change: p.Ile4723=; no amino-acid change (isoleucine 4723 retained).
Molecular consequence: synonymous variant.
Genome position (GRCh38, 1-based): chr2:178,738,284, G>A on the plus strand (C>T on the coding strand, the complement: TTN is on the minus strand). VCF-style: chr2-178738284-G-A. GRCh37 (hg19) VCF-style: chr2-179603011-G-A.
Other names: c.10437C>T, p.Ile3479= (NM_133378.4); c.13218C>T, p.Ile4406= (NM_001256850.1); c.13080C>T, p.Ile4360= (NM_003319.4); c.13455C>T, p.Ile4485= (NM_133432.3); c.13656C>T, p.Ile4552= (NM_133437.4).
Identifiers: ClinVar variation 46583 (VCV000046583.5), dbSNP rs397517479, ClinGen allele CA138662.